The following is an entry in ClinVar:

ClinVar aggregate classification (germline): Likely benign (1 of 4 stars; one submission).

Submission:

CeGaT Center for Human Genetics Tuebingen
Classification: Likely benign. Last evaluated: 2025-04-01. Review status: criteria provided, single submitter. Criteria: CeGaT Center For Human Genetics Tuebingen Variant Classification Criteria Version 2. Collection method: clinical testing. Allele origin: germline. Affected: yes. Observed: 1 variant allele.
Comment: PTPN2: BP4, BP7

NM_002828.4(PTPN2):c.1203C>T (p.Gly401=)

Gene: PTPN2 (protein tyrosine phosphatase non-receptor type 2; minus strand). Cytogenetic location: 18p11.21.
Variant type: single nucleotide variant.
Coding change: c.1203C>T on transcript NM_002828.4 (MANE Select); coding-DNA position 1203, C replaced by T.
Protein change: p.Gly401=; no amino-acid change (glycine 401 retained).
Molecular consequence: synonymous variant. On other transcripts: intron variant (3).
Genome position (GRCh38, 1-based): chr18:12,794,323, G>A on the plus strand (C>T on the coding strand, the complement: PTPN2 is on the minus strand). VCF-style: chr18-12794323-G-A. GRCh37 (hg19) VCF-style: chr18-12794322-G-A.
Other names: c.1116C>T, p.Gly372= (NM_001308287.1); c.1040+7647C>T (NM_080423.3); c.1142+61C>T (NM_080422.3); c.1211+61C>T (NM_001207013.2).
Identifiers: ClinVar variation 3898351 (VCV003898351.7), dbSNP rs141258497.